The following is an entry in ClinVar:

ClinVar aggregate classification (germline): Conflicting classifications of pathogenicity. Review status: criteria provided, conflicting classifications (1 of 4 stars). 5 submissions from 5 submitters: Uncertain significance (3); Likely benign (1). 1 of the submissions does not count toward it. Last evaluated 2023-03-23.

Conditions:
Hereditary cancer-predisposing syndrome. Also called: Tumor predisposition; Hereditary Cancer Syndrome; Neoplastic Syndromes, Hereditary; Hereditary neoplastic syndrome. Identifiers: Orphanet 140162, MedGen C0027672, MeSH D009386, MONDO:0015356.
Hereditary breast ovarian cancer syndrome. Also called: Hereditary breast and ovarian cancer; Hereditary breast and/or ovarian cancer syndrome; BRCA1- and BRCA2-Associated Hereditary Breast and Ovarian Cancer; Hereditary breast and ovarian cancer syndrome; Hereditary breast and ovarian cancer syndrome (HBOC); Breast and ovarian cancer. Identifiers: Orphanet 145, MedGen C0677776, MeSH D061325, MONDO:0003582. Disease mechanism: loss of function.
Breast-ovarian cancer, familial, susceptibility to, 2 (BROVCA2). Also called: BRCA2 Hereditary Breast and Ovarian Cancer. Identifiers: Orphanet 145, MedGen C2675520, MONDO:0012933, OMIM 612555. Disease mechanism: loss of function.

Submissions (5):

University of Washington Department of Laboratory Medicine, University of Washington
Classification: Likely benign for Hereditary cancer-predisposing syndrome. Last evaluated: 2023-03-23. Review status: criteria provided, single submitter. Criteria: Dines et al. (Genet Med. 2020). Collection method: curation. Allele origin: germline.
Comment: Missense variant in a coldspot region where missense variants are very unlikely to be pathogenic (PMID:31911673).

BRCA2 exon 11 coldspot. Reclassification based on statistical prior probability.

Labcorp Genetics (formerly Invitae), Labcorp
Classification: Uncertain significance for Hereditary breast ovarian cancer syndrome. Last evaluated: 2022-12-12. Review status: criteria provided, single submitter. Criteria: Invitae Variant Classification Sherloc (09022015). Collection method: clinical testing. Allele origin: germline.
Comment: This sequence change replaces asparagine, which is neutral and polar, with aspartic acid, which is acidic and polar, at codon 1473 of the BRCA2 protein (p.Asn1473Asp). This variant is not present in population databases (gnomAD no frequency). This variant has not been reported in the literature in individuals affected with BRCA2-related conditions. ClinVar contains an entry for this variant (Variation ID: 126041). Advanced modeling of protein sequence and biophysical properties (such as structural, functional, and spatial information, amino acid conservation, physicochemical variation, residue mobility, and thermodynamic stability) performed at Invitae indicates that this missense variant is not expected to disrupt BRCA2 protein function. In summary, the available evidence is currently insufficient to determine the role of this variant in disease. Therefore, it has been classified as a Variant of Uncertain Significance.

Women's Health and Genetics/Laboratory Corporation of America, LabCorp
Classification: Uncertain significance. Last evaluated: 2022-09-25. Review status: criteria provided, single submitter. Criteria: LabCorp Variant Classification Summary - May 2015. Collection method: clinical testing. Allele origin: germline.

Ambry Genetics
Classification: Uncertain significance for Hereditary cancer-predisposing syndrome. Last evaluated: 2015-05-27. Review status: criteria provided, single submitter. Criteria: Ambry Variant Classification Scheme 2023. Collection method: clinical testing. Allele origin: germline.
Comment: The p.N1473D variant (also known as c.4417A>G and 4645A>G), located in coding exon 10 of the BRCA2 gene, results from an A to G substitution at nucleotide position 4417. The asparagine at codon 1473 is replaced by aspartic acid, an amino acid with highly similar properties. This variant was previously reported in the SNPDatabase as rs80358675. This variant was not reported in population-based cohorts in the following databases: NHLBI Exome Sequencing Project (ESP) and 1000 Genomes Project. To date, this alteration has been detected with an allele frequency of approximately 0.001% (greater than 150000 alleles tested) in our clinical cohort. This amino acid position is poorly conserved in available vertebrate species. In addition, this alteration is predicted to be tolerated by in silico analysis. Since supporting evidence is limited at this time, the clinical significance of p.N1473D remains unclear.

Breast Cancer Information Core (BIC) (BRCA2)
Classification: Uncertain significance for Breast-ovarian cancer, familial 2. Last evaluated: 2004-02-20. Review status: no assertion criteria provided. Collection method: clinical testing. Allele origin: germline. Affected: yes. Observed: 1 variant allele. Not counted in ClinVar's aggregate classification.

NM_000059.4(BRCA2):c.4417A>G (p.Asn1473Asp)

Gene: BRCA2 (BRCA2 DNA repair associated; plus strand). Cytogenetic location: 13q13.1.
Variant type: single nucleotide variant.
Coding change: c.4417A>G on transcript NM_000059.4 (MANE Select); coding-DNA position 4417, A replaced by G.
Protein change: p.Asn1473Asp; replaces asparagine 1473 with aspartic acid.
Molecular consequence: missense variant.
Genome position (GRCh38, 1-based): chr13:32,338,772, A>G. VCF-style: chr13-32338772-A-G. GRCh37 (hg19) VCF-style: chr13-32912909-A-G.
Other names: short protein forms N1473D.
Identifiers: ClinVar variation 126041 (VCV000126041.12), dbSNP rs80358675, ClinGen allele CA020152.